The following is an entry in ClinVar:

NM_005765.3(ATP6AP2):c.991A>G (p.Met331Val)

Gene: ATP6AP2 (ATPase H+ transporting accessory protein 2; plus strand). Cytogenetic location: Xp11.4.
Variant type: single nucleotide variant.
Coding change: c.991A>G on transcript NM_005765.3 (MANE Select); coding-DNA position 991, A replaced by G.
Protein change: p.Met331Val; replaces methionine 331 with valine.
Molecular consequence: missense variant.
Genome position (GRCh38, 1-based): chrX:40,605,693, A>G. VCF-style: chrX-40605693-A-G. GRCh37 (hg19) VCF-style: chrX-40464945-A-G.
Other names: short protein forms M331V.
Identifiers: ClinVar variation 3252427 (VCV003252427.1), dbSNP rs1213209920.

ClinVar aggregate classification (germline): Uncertain significance (1 of 4 stars; one submission).

Allele frequency attached by ClinVar (database versions not stated): gnomAD exomes below 0.00001; TOPMed below 0.00001; gnomAD 0.00001.
gnomAD v4.1: 2 of 1,207,900 alleles (0.00017%); highest among the groups gnomAD compares: Non-Finnish European, 0.00022%; no homozygotes.

Submission:

GeneDx
Classification: Uncertain significance. Last evaluated: 2024-04-24. Review status: criteria provided, single submitter. Criteria: GeneDx Variant Classification Process June 2021. Collection method: clinical testing. Allele origin: germline. Affected: yes.
Comment: Not observed at significant frequency in large population cohorts (gnomAD); In silico analysis supports that this missense variant has a deleterious effect on protein structure/function; Has not been previously published as pathogenic or benign to our knowledge